The following is an entry in ClinVar:

ClinVar aggregate classification (germline): Uncertain significance (1 of 4 stars; one submission).

Conditions:
Inborn genetic diseases. Identifiers: MedGen C0950123, MeSH D030342.

Submission:

Ambry Genetics
Classification: Uncertain significance for Inborn genetic diseases. Last evaluated: 2025-07-16. Review status: criteria provided, single submitter. Criteria: Ambry Variant Classification Scheme 2023. Collection method: clinical testing. Allele origin: germline.
Comment: The p.V101E variant (also known as c.302T>A), located in coding exon 3 of the RUNX1 gene, results from a T to A substitution at nucleotide position 302. The valine at codon 101 is replaced by glutamic acid, an amino acid with dissimilar properties. This amino acid position is highly conserved in available vertebrate species. In addition, this alteration is predicted to be deleterious by in silico analysis. Based on the available evidence, the clinical significance of this variant remains unclear.

NM_001754.5(RUNX1):c.302T>A (p.Val101Glu)

Gene: RUNX1 (RUNX family transcription factor 1; minus strand). Cytogenetic location: 21q22.12.
Variant type: single nucleotide variant.
Coding change: c.302T>A on transcript NM_001754.5 (MANE Select); coding-DNA position 302, T replaced by A.
Protein change: p.Val101Glu; replaces valine 101 with glutamic acid.
Molecular consequence: missense variant.
Genome position (GRCh38, 1-based): chr21:34,886,892, A>T on the plus strand (T>A on the coding strand, the complement: RUNX1 is on the minus strand). VCF-style: chr21-34886892-A-T. GRCh37 (hg19) VCF-style: chr21-36259189-A-T.
Other names: c.221T>A, p.Val74Glu (NM_001001890.3, NM_001122607.2); short protein forms V101E, V74E.
Identifiers: ClinVar variation 4158198 (VCV004158198.1).